The following is an entry in ClinVar:

ClinVar aggregate classification (germline): Uncertain significance. Review status: criteria provided, multiple submitters, no conflicts (2 of 4 stars). 2 submissions from 2 submitters: Uncertain significance (2). Last evaluated 2022-11-01.

Conditions:
Congenital myasthenic syndrome 9. Also called: Myasthenic syndrome, congenital, 9, associated with acetylcholine receptor deficiency. Identifiers: Orphanet 590, MedGen C4225368, MONDO:0014587, OMIM 616325.
Fetal akinesia deformation sequence 1 (FADS1). Also called: Pena-Shokeir syndrome type I; Fetal akinesia sequence. Identifiers: Orphanet 994, MedGen C1276035, MONDO:0100101, OMIM 208150, HP:0001989.

Allele frequency attached by ClinVar (database versions not stated): gnomAD exomes 0.00001 and 0.00004; ExAC 0.00002; gnomAD 0.00002; TOPMed 0.00004.
gnomAD v4.1: 57 of 1,613,748 alleles (0.0035%); highest among the groups gnomAD compares: Non-Finnish European, 0.0046%; no homozygotes.

Submissions (2):

Labcorp Genetics (formerly Invitae), Labcorp
Classification: Uncertain significance for Congenital myasthenic syndrome 9; Fetal akinesia deformation sequence 1. Last evaluated: 2022-11-01. Review status: criteria provided, single submitter. Criteria: Invitae Variant Classification Sherloc (09022015). Collection method: clinical testing. Allele origin: germline.
Comment: This sequence change replaces tryptophan, which is neutral and slightly polar, with cysteine, which is neutral and slightly polar, at codon 410 of the MUSK protein (p.Trp410Cys). This variant is present in population databases (rs751972431, gnomAD 0.007%). This variant has not been reported in the literature in individuals affected with MUSK-related conditions. ClinVar contains an entry for this variant (Variation ID: 283565). Algorithms developed to predict the effect of missense changes on protein structure and function (SIFT, PolyPhen-2, Align-GVGD) all suggest that this variant is likely to be disruptive. In summary, the available evidence is currently insufficient to determine the role of this variant in disease. Therefore, it has been classified as a Variant of Uncertain Significance.

Eurofins Ntd Llc (ga)
Classification: Uncertain significance. Last evaluated: 2015-10-16. Review status: criteria provided, single submitter. Criteria: EGL Classification Definitions 2015. Collection method: clinical testing. Allele origin: germline. Observed: 1 variant allele, 1 heterozygote.

NM_005592.4(MUSK):c.1230G>C (p.Trp410Cys)

Gene: MUSK (muscle associated receptor tyrosine kinase; plus strand). Cytogenetic location: 9q31.3.
Variant type: single nucleotide variant.
Coding change: c.1230G>C on transcript NM_005592.4 (MANE Select); coding-DNA position 1230, G replaced by C.
Protein change: p.Trp410Cys; replaces tryptophan 410 with cysteine.
Molecular consequence: missense variant. On other transcripts: 5 prime UTR variant (1).
Genome position (GRCh38, 1-based): chr9:110,775,833, G>C. VCF-style: chr9-110775833-G-C. GRCh37 (hg19) VCF-style: chr9-113538113-G-C.
Other names: c.996G>C, p.Trp332Cys (NM_001166280.2); c.966G>C, p.Trp322Cys (NM_001166281.2); c.-7G>C (NM_001369398.1); short protein forms W410C, W332C, W322C.
Identifiers: ClinVar variation 283565 (VCV000283565.9), dbSNP rs751972431, ClinGen allele CA5184307.